The following is an entry in ClinVar:

NM_001379081.2(FREM1):c.2626del (p.Val876fs)

Gene: FREM1 (FRAS1 related extracellular matrix 1; minus strand). Cytogenetic location: 9p22.3.
Variant type: Deletion.
Coding change: c.2626del on transcript NM_001379081.2 (MANE Select); coding-DNA position 2626, one base deleted (G; older notation c.2626delG).
Protein change: p.Val876fs; shifts the reading frame from valine 876.
Molecular consequence: frameshift variant. On other transcripts: non-coding transcript variant (2).
Genome position (GRCh38, 1-based): chr9:14,816,792, C deleted on the plus strand (G on the coding strand, the reverse complement: FREM1 is on the minus strand). VCF-style (leftmost placement, unchanged base first): chr9-14816791-AC-A. GRCh37 (hg19) VCF-style: chr9-14816789-AC-A.
Other names: c.2626del, p.Val876fs (NM_144966.7); short protein forms V876fs.
Identifiers: ClinVar variation 4293998 (VCV004293998.1).

ClinVar aggregate classification (germline): Pathogenic (1 of 4 stars; one submission).

Conditions:
Oculotrichoanal syndrome (MOTA). Also called: MARLES SYNDROME; Manitoba Oculotrichoanal (MOTA) Syndrome. Identifiers: Orphanet 2717, MedGen C1855425, MONDO:0009560, OMIM 248450.

Submission:

3billion
Classification: Pathogenic for Oculotrichoanal syndrome. Last evaluated: 2024-07-04. Review status: criteria provided, single submitter. Criteria: ACMG Guidelines, 2015. Collection method: clinical testing. Allele origin: germline. Affected: yes.
Comment: The variant is observed at an extremely low frequency in the gnomAD v4.0.0 dataset (total allele frequency: <0.001%). Predicted Consequence/Location: Frameshift: predicted to result in a loss or disruption of normal protein function through nonsense-mediated decay (NMD) or protein truncation. Multiple pathogenic variants are reported downstream of the variant. The variant has been reported to be associated with FREM1 related disorder (PMID: 28111185). Therefore, this variant is classified as Pathogenic according to the recommendation of ACMG/AMP guideline.

Literature cited by the submitters: PubMed 28111185.